The following is an entry in ClinVar:

NM_001040436.3(YARS2):c.948G>T (p.Arg316Ser)

Gene: YARS2 (tyrosyl-tRNA synthetase 2; minus strand). Cytogenetic location: 12p11.21.
Variant type: single nucleotide variant.
Coding change: c.948G>T on transcript NM_001040436.3 (MANE Select); coding-DNA position 948, G replaced by T.
Protein change: p.Arg316Ser; replaces arginine 316 with serine.
Molecular consequence: missense variant.
Genome position (GRCh38, 1-based): chr12:32,750,874, C>A on the plus strand (G>T on the coding strand, the complement: YARS2 is on the minus strand). VCF-style: chr12-32750874-C-A. GRCh37 (hg19) VCF-style: chr12-32903808-C-A.
Other names: short protein forms R316S.
Identifiers: ClinVar variation 1949855 (VCV001949855.2), dbSNP rs146592186, ClinGen allele CA6508028.

ClinVar aggregate classification (germline): Uncertain significance (1 of 4 stars; one submission).

gnomAD v4.1: 51 of 1,613,632 alleles (0.0032%); highest among the groups gnomAD compares: Non-Finnish European, 0.0042%; no homozygotes.

Submission:

Labcorp Genetics (formerly Invitae), Labcorp
Classification: Uncertain significance. Last evaluated: 2022-03-15. Review status: criteria provided, single submitter. Criteria: Invitae Variant Classification Sherloc (09022015). Collection method: clinical testing. Allele origin: germline.
Comment: This sequence change replaces arginine, which is basic and polar, with serine, which is neutral and polar, at codon 316 of the YARS2 protein (p.Arg316Ser). This variant is present in population databases (rs146592186, gnomAD 0.005%). This variant has not been reported in the literature in individuals affected with YARS2-related conditions. Algorithms developed to predict the effect of missense changes on protein structure and function are either unavailable or do not agree on the potential impact of this missense change (SIFT: "Deleterious"; PolyPhen-2: "Benign"; Align-GVGD: "Class C0"). Algorithms developed to predict the effect of sequence changes on RNA splicing suggest that this variant may disrupt the consensus splice site. In summary, the available evidence is currently insufficient to determine the role of this variant in disease. Therefore, it has been classified as a Variant of Uncertain Significance.